The following is an entry in ClinVar:

ClinVar aggregate classification (germline): Pathogenic (1 of 4 stars; one submission).

Conditions:
Joubert syndrome. Also called: Familial aplasia of the vermis; CEREBELLOPARENCHYMAL DISORDER IV; JOUBERT-BOLTSHAUSER SYNDROME. Identifiers: Orphanet 475, MedGen C5979921, MONDO:0018772.

Submission:

Labcorp Genetics (formerly Invitae), Labcorp
Classification: Pathogenic for Joubert syndrome. Last evaluated: 2022-08-09. Review status: criteria provided, single submitter. Criteria: Invitae Variant Classification Sherloc (09022015). Collection method: clinical testing. Allele origin: germline.
Comment: This variant is a gross deletion of the genomic region encompassing exon(s) 11 of the AHI1 gene. This variant would be expected to be in-frame, preserving the integrity of the reading frame. This variant has not been reported in the literature in individuals affected with AHI1-related conditions. This variant disrupts a region of the AHI1 protein in which other variant(s) (p.Arg495Cys) have been determined to be pathogenic (Invitae). This suggests that this is a clinically significant region of the protein, and that variants that disrupt it are likely to be disease-causing. For these reasons, this variant has been classified as Pathogenic.

NC_000006.11:g.(?_135769428)_(135769613_?)del

Gene: AHI1 (Abelson helper integration site 1; minus strand). Cytogenetic location: 6q23.3.
Variant type: Deletion.
Identifiers: ClinVar variation 1011633 (VCV001011633.7).